The following is an entry in ClinVar:

NM_015295.3(SMCHD1):c.3787C>T (p.Pro1263Ser)

Gene: SMCHD1 (structural maintenance of chromosomes flexible hinge domain containing 1; plus strand). Cytogenetic location: 18p11.32.
Variant type: single nucleotide variant.
Coding change: c.3787C>T on transcript NM_015295.3 (MANE Select); coding-DNA position 3787, C replaced by T.
Protein change: p.Pro1263Ser; replaces proline 1263 with serine.
Molecular consequence: missense variant.
Genome position (GRCh38, 1-based): chr18:2,743,914, C>T. VCF-style: chr18-2743914-C-T. GRCh37 (hg19) VCF-style: chr18-2743912-C-T.
Other names: short protein forms P1263S.
Identifiers: ClinVar variation 2436164 (VCV002436164.4), dbSNP rs2075399464, ClinGen allele CA401689769.
Genomic context (GRCh38, chr18:2,743,914, plus strand): 5'-GACTTTATTCGAGTGCAACTAATTTCTGGACCTCCTGCTAAACTTCTCCTTATAGACTGG[C>T]CAGAACTAAAGGAGGTAAGTCACTTCATGTCTTCACTGAAAGAATTTAATATCATATGGC-3'
Protein context (NP_056110.2, residues 1253-1273): PPAKLLLIDW[Pro1263Ser]ELKESIPVIN

ClinVar aggregate classification (germline): Uncertain significance. Review status: criteria provided, multiple submitters, no conflicts (2 of 4 stars). 2 submissions from 2 submitters: Uncertain significance (2). Last evaluated 2025-10-17.

Conditions:
Facioscapulohumeral muscular dystrophy 2 (FSHD2). Also called: FACIOSCAPULOHUMERAL MUSCULAR DYSTROPHY 2, DIGENIC; FSHD2, DIGENIC; MUSCULAR DYSTROPHY, FACIOSCAPULOHUMERAL, TYPE 1B. Identifiers: Orphanet 269, MedGen C1834671, MONDO:0008031, OMIM 158901.

Allele frequency attached by ClinVar (database versions not stated): gnomAD exomes below 0.00001.
gnomAD v4.1: 4 of 1,610,400 alleles (0.00025%); highest among the groups gnomAD compares: African/African-American, 0.0054%; no homozygotes.

Submissions (2):

Labcorp Genetics (formerly Invitae), Labcorp
Classification: Uncertain significance for Facioscapulohumeral muscular dystrophy 2. Last evaluated: 2025-10-17. Review status: criteria provided, single submitter. Criteria: Invitae Variant Classification Sherloc (09022015). Collection method: clinical testing. Allele origin: germline.
Comment: This sequence change replaces proline, which is neutral and non-polar, with serine, which is neutral and polar, at codon 1263 of the SMCHD1 protein (p.Pro1263Ser). This variant is not present in population databases (gnomAD no frequency). This variant has not been reported in the literature in individuals affected with SMCHD1-related conditions. ClinVar contains an entry for this variant (Variation ID: 2436164). Invitae Evidence Modeling of protein sequence and biophysical properties (such as structural, functional, and spatial information, amino acid conservation, physicochemical variation, residue mobility, and thermodynamic stability) indicates that this missense variant is not expected to disrupt SMCHD1 protein function with a negative predictive value of 80%. In summary, the available evidence is currently insufficient to determine the role of this variant in disease. Therefore, it has been classified as a Variant of Uncertain Significance.

Revvity Omics, Revvity
Classification: Uncertain significance. Last evaluated: 2022-09-02. Review status: criteria provided, single submitter. Criteria: ACMG Guidelines, 2015. Collection method: clinical testing. Allele origin: germline.